The following is an entry in ClinVar:

ClinVar aggregate classification (germline): Conflicting classifications of pathogenicity. Review status: criteria provided, conflicting classifications (1 of 4 stars). 5 submissions from 5 submitters: Uncertain significance (3); Benign (1); Likely benign (1). Last evaluated 2025-10-13.

Conditions:
Hereditary cancer-predisposing syndrome. Also called: Hereditary neoplastic syndrome; Neoplastic Syndromes, Hereditary; Hereditary Cancer Syndrome; Tumor predisposition. Identifiers: Orphanet 140162, MedGen C0027672, MeSH D009386, MONDO:0015356.
Hereditary breast ovarian cancer syndrome. Also called: BRCA1- and BRCA2-Associated Hereditary Breast and Ovarian Cancer; Hereditary breast and ovarian cancer syndrome; Hereditary breast and ovarian cancer syndrome (HBOC); Hereditary breast and/or ovarian cancer syndrome; Breast and ovarian cancer; Hereditary breast and ovarian cancer. Identifiers: Orphanet 145, MedGen C0677776, MeSH D061325, MONDO:0003582. Disease mechanism: loss of function.
Ovarian cancer. Also called: OVARIAN CANCER, SOMATIC. Identifiers: Orphanet 213500, MedGen C1140680, MONDO:0008170, OMIM 167000.

Allele frequency attached by ClinVar (database versions not stated): gnomAD exomes below 0.00001; ExAC 0.00001.
gnomAD v4.1: 1 of 1,608,064 alleles (0.000062%); highest among the groups gnomAD compares: East Asian, 0.0022%; no homozygotes.

Submissions (5):

Ambry Genetics
Classification: Uncertain significance for Hereditary cancer-predisposing syndrome. Last evaluated: 2025-10-13. Review status: criteria provided, single submitter. Criteria: Ambry Variant Classification Scheme 2023. Collection method: clinical testing. Allele origin: germline.
Comment: The p.A624V variant (also known as c.1871C>T), located in coding exon 9 of the BRCA2 gene, results from a C to T substitution at nucleotide position 1871. The alanine at codon 624 is replaced by valine, an amino acid with similar properties. This amino acid position is poorly conserved in available vertebrate species. In addition, this alteration is predicted to be tolerated by in silico analysis. Since supporting evidence is limited at this time, the clinical significance of this alteration remains unclear.

Labcorp Genetics (formerly Invitae), Labcorp
Classification: Uncertain significance for Hereditary breast ovarian cancer syndrome. Last evaluated: 2025-07-31. Review status: criteria provided, single submitter. Criteria: Invitae Variant Classification Sherloc (09022015). Collection method: clinical testing. Allele origin: germline.
Comment: This sequence change replaces alanine, which is neutral and non-polar, with valine, which is neutral and non-polar, at codon 624 of the BRCA2 protein (p.Ala624Val). This variant is present in population databases (rs769698255, gnomAD 0.006%). This variant has not been reported in the literature in individuals affected with BRCA2-related conditions. ClinVar contains an entry for this variant (Variation ID: 658328). Invitae Evidence Modeling of protein sequence and biophysical properties (such as structural, functional, and spatial information, amino acid conservation, physicochemical variation, residue mobility, and thermodynamic stability) indicates that this missense variant is not expected to disrupt BRCA2 protein function with a negative predictive value of 95%. In summary, the available evidence is currently insufficient to determine the role of this variant in disease. Therefore, it has been classified as a Variant of Uncertain Significance.

Color Diagnostics, LLC DBA Color Health
Classification: Uncertain significance for Hereditary cancer-predisposing syndrome. Last evaluated: 2024-04-01. Review status: criteria provided, single submitter. Criteria: ACMG Guidelines, 2015. Collection method: clinical testing. Allele origin: germline.
Comment: This missense variant replaces alanine with valine at codon 624 of the BRCA2 protein. Computational prediction suggests that this variant may not impact protein structure and function. To our knowledge, functional studies have not been reported for this variant. This variant has been reported in an individual affected with ovarian cancer (PMID: 38509102). This variant has been identified in 1/240466 chromosomes in the general population by the Genome Aggregation Database (gnomAD). The available evidence is insufficient to determine the role of this variant in disease conclusively. Therefore, this variant is classified as a Variant of Uncertain Significance.

University of Washington Department of Laboratory Medicine, University of Washington
Classification: Likely benign for Hereditary cancer-predisposing syndrome. Last evaluated: 2023-03-23. Review status: criteria provided, single submitter. Criteria: Dines et al. (Genet Med. 2020). Collection method: curation. Allele origin: germline.
Comment: Missense variant in a coldspot region where missense variants are very unlikely to be pathogenic (PMID:31911673).

BRCA2 exon 10 coldspot. Reclassification based on statistical prior probability.

Laboratory of Molecular Epidemiology of Birth Defects, West China Second University Hospital, Sichuan University
Classification: Benign for Ovarian cancer. Last evaluated: 2022-01-01. Review status: criteria provided, single submitter. Criteria: ACMG Guidelines, 2015. Collection method: clinical testing. Allele origin: germline. Affected: yes.

Literature cited by the submitters: PubMed 38509102 (cited by Color Diagnostics, LLC DBA Color Health).

NM_000059.4(BRCA2):c.1871C>T (p.Ala624Val)

Gene: BRCA2 (BRCA2 DNA repair associated; plus strand). Cytogenetic location: 13q13.1.
Variant type: single nucleotide variant.
Coding change: c.1871C>T on transcript NM_000059.4 (MANE Select); coding-DNA position 1871, C replaced by T.
Protein change: p.Ala624Val; replaces alanine 624 with valine.
Molecular consequence: missense variant.
Genome position (GRCh38, 1-based): chr13:32,333,349, C>T. VCF-style: chr13-32333349-C-T. GRCh37 (hg19) VCF-style: chr13-32907486-C-T.
Other names: short protein forms A624V.
Identifiers: ClinVar variation 658328 (VCV000658328.18), dbSNP rs769698255, ClinGen allele CA6940546.